The following is an entry in ClinVar:

ClinVar aggregate classification (germline): Uncertain significance (1 of 4 stars; one submission).

Submission:

Labcorp Genetics (formerly Invitae), Labcorp
Classification: Uncertain significance. Last evaluated: 2026-01-26. Review status: criteria provided, single submitter. Criteria: Invitae Variant Classification Sherloc (09022015). Collection method: clinical testing. Allele origin: germline.
Comment: This sequence change replaces phenylalanine, which is neutral and non-polar, with leucine, which is neutral and non-polar, at codon 189 of the EBP protein (p.Phe189Leu). This variant is not present in population databases (gnomAD no frequency). This variant has not been reported in the literature in individuals affected with EBP-related conditions. Invitae Evidence Modeling of protein sequence and biophysical properties (such as structural, functional, and spatial information, amino acid conservation, physicochemical variation, residue mobility, and thermodynamic stability) indicates that this missense variant is expected to disrupt EBP protein function with a positive predictive value of 95%. In summary, the available evidence is currently insufficient to determine the role of this variant in disease. Therefore, it has been classified as a Variant of Uncertain Significance.

NM_006579.3(EBP):c.565T>C (p.Phe189Leu)

Gene: EBP (EBP cholestenol delta-isomerase; plus strand). Cytogenetic location: Xp11.23.
Variant type: single nucleotide variant.
Coding change: c.565T>C on transcript NM_006579.3 (MANE Select); coding-DNA position 565, T replaced by C.
Protein change: p.Phe189Leu; replaces phenylalanine 189 with leucine.
Molecular consequence: missense variant.
Genome position (GRCh38, 1-based): chrX:48,528,329, T>C. VCF-style: chrX-48528329-T-C. GRCh37 (hg19) VCF-style: chrX-48386717-T-C.
Other names: short protein forms F189L.
Identifiers: ClinVar variation 4710064 (VCV004710064.1).